The following is an entry in ClinVar:

ClinVar aggregate classification (germline): Uncertain significance (1 of 4 stars; one submission).

Allele frequency attached by ClinVar (database versions not stated): TOPMed below 0.00001; ExAC 0.00001; gnomAD exomes 0.00002.
gnomAD v4.1: 22 of 1,522,308 alleles (0.0014%); highest among the groups gnomAD compares: Non-Finnish European, 0.0019%; no homozygotes.

Submission:

Labcorp Genetics (formerly Invitae), Labcorp
Classification: Uncertain significance. Last evaluated: 2024-10-16. Review status: criteria provided, single submitter. Criteria: Invitae Variant Classification Sherloc (09022015). Collection method: clinical testing. Allele origin: germline.
Comment: This sequence change replaces glycine, which is neutral and non-polar, with serine, which is neutral and polar, at codon 1462 of the RERE protein (p.Gly1462Ser). This variant is present in population databases (rs761746189, gnomAD 0.001%). This variant has not been reported in the literature in individuals affected with RERE-related conditions. ClinVar contains an entry for this variant (Variation ID: 1950701). Invitae Evidence Modeling of protein sequence and biophysical properties (such as structural, functional, and spatial information, amino acid conservation, physicochemical variation, residue mobility, and thermodynamic stability) has been performed for this missense variant. However, the output from this modeling did not meet the statistical confidence thresholds required to predict the impact of this variant on RERE protein function. In summary, the available evidence is currently insufficient to determine the role of this variant in disease. Therefore, it has been classified as a Variant of Uncertain Significance.

NM_001042681.2(RERE):c.4384G>A (p.Gly1462Ser)

Gene: RERE (arginine-glutamic acid dipeptide repeats; minus strand). Cytogenetic location: 1p36.23.
Variant type: single nucleotide variant.
Coding change: c.4384G>A on transcript NM_001042681.2 (MANE Select); coding-DNA position 4384, G replaced by A.
Protein change: p.Gly1462Ser; replaces glycine 1462 with serine.
Molecular consequence: missense variant.
Genome position (GRCh38, 1-based): chr1:8,356,202, C>T on the plus strand (G>A on the coding strand, the complement: RERE is on the minus strand). VCF-style: chr1-8356202-C-T. GRCh37 (hg19) VCF-style: chr1-8416262-C-T.
Other names: c.2722G>A, p.Gly908Ser (NM_001042682.2); c.4384G>A, p.Gly1462Ser (NM_012102.4); short protein forms G1462S, G908S.
Identifiers: ClinVar variation 1950701 (VCV001950701.5), dbSNP rs761746189, ClinGen allele CA570802.